The following is an entry in ClinVar:

ClinVar aggregate classification (germline): Uncertain significance. Review status: criteria provided, multiple submitters, no conflicts (2 of 4 stars). 2 submissions from 2 submitters: Uncertain significance (2). Last evaluated 2025-04-24.

Conditions:
Tuberous sclerosis 1 (TSC1). Identifiers: Orphanet 805, MedGen C1854465, MONDO:0008612, OMIM 191100.
Hereditary cancer-predisposing syndrome. Also called: Neoplastic Syndromes, Hereditary; Hereditary Cancer Syndrome; Tumor predisposition; Hereditary neoplastic syndrome. Identifiers: Orphanet 140162, MedGen C0027672, MeSH D009386, MONDO:0015356.

Submissions (2):

Ambry Genetics
Classification: Uncertain significance for Hereditary cancer-predisposing syndrome. Last evaluated: 2025-04-24. Review status: criteria provided, single submitter. Criteria: Ambry Variant Classification Scheme 2023. Collection method: clinical testing. Allele origin: germline.
Comment: The p.R1097L variant (also known as c.3290G>T), located in coding exon 21 of the TSC1 gene, results from a G to T substitution at nucleotide position 3290. The arginine at codon 1097 is replaced by leucine, an amino acid with dissimilar properties. This amino acid position is conserved. In addition, the in silico prediction for this alteration is inconclusive. Based on the available evidence, the clinical significance of this variant remains unclear.

Labcorp Genetics (formerly Invitae), Labcorp
Classification: Uncertain significance for Tuberous sclerosis 1. Last evaluated: 2023-05-25. Review status: criteria provided, single submitter. Criteria: Invitae Variant Classification Sherloc (09022015). Collection method: clinical testing. Allele origin: germline.
Comment: In summary, the available evidence is currently insufficient to determine the role of this variant in disease. Therefore, it has been classified as a Variant of Uncertain Significance. Advanced modeling of protein sequence and biophysical properties (such as structural, functional, and spatial information, amino acid conservation, physicochemical variation, residue mobility, and thermodynamic stability) performed at Invitae indicates that this missense variant is not expected to disrupt TSC1 protein function. ClinVar contains an entry for this variant (Variation ID: 1432396). This variant has not been reported in the literature in individuals affected with TSC1-related conditions. This variant is not present in population databases (gnomAD no frequency). This sequence change replaces arginine, which is basic and polar, with leucine, which is neutral and non-polar, at codon 1097 of the TSC1 protein (p.Arg1097Leu).

NM_000368.5(TSC1):c.3290G>T (p.Arg1097Leu)

Gene: TSC1 (TSC complex subunit 1; minus strand). Cytogenetic location: 9q34.13.
Variant type: single nucleotide variant.
Coding change: c.3290G>T on transcript NM_000368.5 (MANE Select); coding-DNA position 3290, G replaced by T.
Protein change: p.Arg1097Leu; replaces arginine 1097 with leucine.
Molecular consequence: missense variant.
Genome position (GRCh38, 1-based): chr9:132,896,440, C>A on the plus strand (G>T on the coding strand, the complement: TSC1 is on the minus strand). VCF-style: chr9-132896440-C-A. GRCh37 (hg19) VCF-style: chr9-135771827-C-A.
Other names: c.3287G>T, p.Arg1096Leu (NM_001162426.2); c.3137G>T, p.Arg1046Leu (NM_001162427.2); c.2927G>T, p.Arg976Leu (NM_001362177.2); c.3290G>T (NM_000368.4); short protein forms R1046L, R1096L, R1097L, R976L.
Identifiers: ClinVar variation 1432396 (VCV001432396.9), dbSNP rs118203750, ClinGen allele CA375366706.
Genomic context (GRCh38, chr9:132,896,440, plus strand): 5'-AGGCTCTCAGAAAGGCTACTGGTCATGCCGTCCTCATCACACTGGCTCTCGCTCTTATTA[C>A]GAAATAACTCTCGAGCCTTCATACCCAGGAAGCTTTTTGAACTGGGAAGTGAGCCCACAG-3'
Protein context (NP_000359.1, residues 1087-1107): FLGMKARELF[Arg1097Leu]NKSESQCDED